The following is an entry in ClinVar:

ClinVar aggregate classification (germline): Benign/Likely benign. Review status: criteria provided, multiple submitters, no conflicts (2 of 4 stars). 3 submissions from 3 submitters: Benign (1); Likely benign (1). 1 of the submissions does not count toward it. Last evaluated 2026-09-01.

Conditions:
KDM6B-related disorder. Also called: KDM6B-related condition.

Allele frequency attached by ClinVar (database versions not stated): ExAC 0.00018; gnomAD exomes 0.00082; gnomAD 0.00296 and 0.00321; TOPMed 0.00355; 1000 Genomes Project 30x 0.00359; 1000 Genomes Project 0.00399.
gnomAD v4.1: 906 of 1,503,876 alleles (0.06%); highest among the groups gnomAD compares: African/African-American, 1.1%; 3 homozygotes.

Submissions (3):

CeGaT Center for Human Genetics Tuebingen
Classification: Likely benign. Last evaluated: 2026-09-01. Review status: criteria provided, single submitter. Criteria: CeGaT Center For Human Genetics Tuebingen Variant Classification Criteria Version 2. Collection method: clinical testing. Allele origin: germline. Affected: yes. Observed: 1 variant allele.
Comment: KDM6B: BS1

Labcorp Genetics (formerly Invitae), Labcorp
Classification: Benign. Last evaluated: 2019-12-31. Review status: criteria provided, single submitter. Criteria: Invitae Variant Classification Sherloc (09022015). Collection method: clinical testing. Allele origin: germline.

PreventionGenetics, part of Exact Sciences
Classification: Benign for KDM6B-related condition. Last evaluated: 2024-04-05. Review status: no assertion criteria provided. Collection method: clinical testing. Allele origin: germline. Not counted in ClinVar's aggregate classification.
Comment: This variant is classified as benign based on ACMG/AMP sequence variant interpretation guidelines (Richards et al. 2015 PMID: 25741868, with internal and published modifications).

NM_001348716.2(KDM6B):c.4909-18C>A

Gene: KDM6B (lysine demethylase 6B; plus strand). Cytogenetic location: 17p13.1.
Variant type: single nucleotide variant.
Coding change: c.4909-18C>A on transcript NM_001348716.2 (MANE Select); 18 bases into the intron before coding-DNA position 4909, C replaced by A.
Molecular consequence: intron variant. On other transcripts: missense variant (1).
Genome position (GRCh38, 1-based): chr17:7,853,480, C>A. VCF-style: chr17-7853480-C-A. GRCh37 (hg19) VCF-style: chr17-7756798-C-A.
Other names: c.5008C>A, p.Pro1670Thr (NM_001080424.2); short protein forms P1670T.
Identifiers: ClinVar variation 714855 (VCV000714855.6), dbSNP rs562204589, ClinGen allele CA8361602.